The following is an entry in ClinVar:

ClinVar aggregate classification (germline): Uncertain significance (1 of 4 stars; one submission).

Submission:

Labcorp Genetics (formerly Invitae), Labcorp
Classification: Uncertain significance. Last evaluated: 2026-01-02. Review status: criteria provided, single submitter. Criteria: Invitae Variant Classification Sherloc (09022015). Collection method: clinical testing. Allele origin: germline.
Comment: This sequence change replaces isoleucine, which is neutral and non-polar, with threonine, which is neutral and polar, at codon 606 of the OPA1 protein (p.Ile606Thr). This variant is present in population databases (no rsID available, gnomAD 0.002%). This variant has not been reported in the literature in individuals affected with OPA1-related conditions. Invitae Evidence Modeling of protein sequence and biophysical properties (such as structural, functional, and spatial information, amino acid conservation, physicochemical variation, residue mobility, and thermodynamic stability) indicates that this missense variant is not expected to disrupt OPA1 protein function with a negative predictive value of 80%. In summary, the available evidence is currently insufficient to determine the role of this variant in disease. Therefore, it has been classified as a Variant of Uncertain Significance.

NM_130837.3(OPA1):c.1982T>C (p.Ile661Thr)

Gene: OPA1 (OPA1 mitochondrial dynamin like GTPase; plus strand). Cytogenetic location: 3q29.
Variant type: single nucleotide variant.
Coding change: c.1982T>C on transcript NM_130837.3 (MANE Select); coding-DNA position 1982, T replaced by C.
Protein change: p.Ile661Thr; replaces isoleucine 661 with threonine.
Molecular consequence: missense variant.
Genome position (GRCh38, 1-based): chr3:193,648,841, T>C. VCF-style: chr3-193648841-T-C. GRCh37 (hg19) VCF-style: chr3-193366630-T-C.
Other names: c.1871T>C, p.Ile624Thr (NM_130834.3); c.1874T>C, p.Ile625Thr (NM_130835.3); c.1928T>C, p.Ile643Thr (NM_130836.3); c.1709T>C, p.Ile570Thr (NM_130831.3); c.1763T>C, p.Ile588Thr (NM_130832.3); c.1820T>C, p.Ile607Thr (NM_130833.3); c.1448T>C, p.Ile483Thr (NM_001354663.2); c.1445T>C, p.Ile482Thr (NM_001354664.2); and 1 more; short protein forms I607T, I643T, I482T, I606T, I661T, I483T, I570T, I624T.
Identifiers: ClinVar variation 4765296 (VCV004765296.1).
Genomic context (GRCh38, chr3:193,648,841, plus strand): 5'-TTTATATTGCCTAGAATGAACTATTTGAAAAAGCTAAAAATGAAATCCTTGATGAAGTTA[T>C]CAGTCTGAGCCAGGTTACACCAAAACATTGGTAAGTATTTGATATTAATCTCTTTTCTGA-3'
Protein context (NP_570850.2, residues 651-671): KAKNEILDEV[Ile661Thr]SLSQVTPKHW